The following is an entry in ClinVar:

NM_000404.4(GLB1):c.1273G>C (p.Asp425His)

Gene: GLB1 (galactosidase beta 1; minus strand). Cytogenetic location: 3p22.3.
Variant type: single nucleotide variant.
Coding change: c.1273G>C on transcript NM_000404.4 (MANE Select); coding-DNA position 1273, G replaced by C.
Protein change: p.Asp425His; replaces aspartic acid 425 with histidine.
Molecular consequence: missense variant.
Genome position (GRCh38, 1-based): chr3:33,018,522, C>G on the plus strand (G>C on the coding strand, the complement: GLB1 is on the minus strand). VCF-style: chr3-33018522-C-G. GRCh37 (hg19) VCF-style: chr3-33060014-C-G.
Other names: c.1183G>C, p.Asp395His (NM_001079811.3); c.880G>C, p.Asp294His (NM_001135602.3); c.1417G>C, p.Asp473His (NM_001317040.2); c.1273G>C, p.Asp425His (NM_001393580.1); short protein forms D294H, D395H, D425H, D473H.
Identifiers: ClinVar variation 2420802 (VCV002420802.3), dbSNP rs750116123, ClinGen allele CA2299438.

ClinVar aggregate classification (germline): Uncertain significance (1 of 4 stars; one submission).

Conditions:
GM1 gangliosidosis. Identifiers: Orphanet 354, MedGen C0085131, MONDO:0018149.
Mucopolysaccharidosis, MPS-IV-B (MPS4B). Also called: MORQUIO SYNDROME B; Mucopolysaccharidosis type IV B; Mucopolysaccharidosis Type IVB; Mucopolysaccharidosis type 4B; Mucopolysaccharidosis type IVB (Morquio); MPS IVB. Identifiers: Orphanet 309310, Orphanet 582, MedGen C0086652, MONDO:0009660, OMIM 253010.

Allele frequency attached by ClinVar (database versions not stated): gnomAD exomes below 0.00001; ExAC 0.00001; gnomAD 0.00001; TOPMed 0.00001.
gnomAD v4.1: 3 of 1,613,870 alleles (0.00019%); highest among the groups gnomAD compares: African/African-American, 0.0027%; no homozygotes.

Submission:

Labcorp Genetics (formerly Invitae), Labcorp
Classification: Uncertain significance for Mucopolysaccharidosis, MPS-IV-B; GM1 gangliosidosis. Last evaluated: 2021-08-30. Review status: criteria provided, single submitter. Criteria: Invitae Variant Classification Sherloc (09022015). Collection method: clinical testing. Allele origin: germline.
Comment: This sequence change replaces aspartic acid with histidine at codon 425 of the GLB1 protein (p.Asp425His). The aspartic acid residue is moderately conserved and there is a moderate physicochemical difference between aspartic acid and histidine. This variant is present in population databases (rs750116123, ExAC 0.01%). This variant has not been reported in the literature in individuals affected with GLB1-related conditions. Algorithms developed to predict the effect of missense changes on protein structure and function are either unavailable or do not agree on the potential impact of this missense change (SIFT: "Tolerated"; PolyPhen-2: "Possibly Damaging"; Align-GVGD: "Class C0"). In summary, the available evidence is currently insufficient to determine the role of this variant in disease. Therefore, it has been classified as a Variant of Uncertain Significance.